The following is an entry in ClinVar:

NM_002303.6(LEPR):c.1896T>A (p.Val632=)

Gene: LEPR (leptin receptor; plus strand). Cytogenetic location: 1p31.3.
Variant type: single nucleotide variant.
Coding change: c.1896T>A on transcript NM_002303.6 (MANE Select); coding-DNA position 1896, T replaced by A.
Protein change: p.Val632=; no amino-acid change (valine 632 retained).
Molecular consequence: synonymous variant.
Genome position (GRCh38, 1-based): chr1:65,610,090, T>A. VCF-style: chr1-65610090-T-A. GRCh37 (hg19) VCF-style: chr1-66075773-T-A.
Other names: c.1896T>A, p.Val632= (NM_001003679.3, NM_001003680.3, NM_001198687.2 and 2 more transcripts).
Identifiers: ClinVar variation 4983148 (VCV004983148.1).
Genomic context (GRCh38, chr1:65,610,090, plus strand): 5'-CTGTAAGAGGCTAGATGGACTGGGATATTGGAGTAATTGGAGCAATCCAGCCTACACAGT[T>A]GTCATGGATATAAAAGGTCTGCAGAGATTTTGTAAATGTGTTTTGAAAGTGCATAAGTGT-3'
Protein context (NP_002294.2, residues 622-642): WSNWSNPAYT[Val632=]VMDIKVPMRG

ClinVar aggregate classification (germline): Uncertain significance (1 of 4 stars; one submission).

Conditions:
LEPR-related disorder. Also called: LEPR-related condition; LEPR-related disorders.

gnomAD v4.1: 5 of 1,614,204 alleles (0.00031%); highest among the groups gnomAD compares: Non-Finnish European, 0.00042%; no homozygotes.

Submission:

PreventionGenetics, part of Exact Sciences
Classification: Uncertain significance for LEPR-related condition. Last evaluated: 2024-12-21. Review status: criteria provided, single submitter. Criteria: ACMG Guidelines, 2015. Collection method: clinical testing. Allele origin: germline.
Comment: The LEPR c.1896T>A variant is not predicted to result in an amino acid change (p.=). This variant is predicted to decrease the strength of the canonical splice donor site (SpliceAI, Jaganathan et al. 2019. PubMed ID: 30661751). To our knowledge, this variant has not been reported in the literature. This variant is reported in 0.00088% of alleles in individuals of European (Non-Finnish) descent in gnomAD. At this time, the clinical significance of this variant is uncertain due to the absence of conclusive functional and genetic evidence.